The following is an entry in ClinVar:

NM_000214.3(JAG1):c.2227+9A>G

Gene: JAG1 (jagged canonical Notch ligand 1; minus strand). Cytogenetic location: 20p12.2.
Variant type: single nucleotide variant.
Coding change: c.2227+9A>G on transcript NM_000214.3 (MANE Select); 9 bases into the intron after coding-DNA position 2227, A replaced by G.
Molecular consequence: intron variant.
Genome position (GRCh38, 1-based): chr20:10,645,134, T>C on the plus strand (A>G on the coding strand, the complement: JAG1 is on the minus strand). VCF-style: chr20-10645134-T-C. GRCh37 (hg19) VCF-style: chr20-10625782-T-C.
Identifiers: ClinVar variation 670243 (VCV000670243.12), dbSNP rs763616526, ClinGen allele CA9764602.
Genomic context (GRCh38, chr20:10,645,134, plus strand): 5'-AGGGGCCAACCAGCAGACACGCCCAGGTGGCCATGCCCACTGCAGATCCCACGTGGGGCA[T>C]AAAGTTACCTATGTTACAGGTTGTTCCTTCCCAGCCGCCAGGACACATGCACTTAAAAGC-3'

ClinVar aggregate classification (germline): Likely benign. Review status: criteria provided, multiple submitters, no conflicts (2 of 4 stars). 5 submissions from 5 submitters: Likely benign (5). Last evaluated 2025-11-21.

Conditions:
Alagille syndrome due to a JAG1 point mutation. Also called: Alagille Syndrome 1; HEPATIC DUCTULAR HYPOPLASIA, SYNDROMATIC; JAG1-Related Alagille Syndrome. Identifiers: Orphanet 261619, Orphanet 52, MedGen C1956125, MONDO:0016862, OMIM 118450.
JAG1-related disorder. Also called: JAG1-related condition; JAG1-related disorders.

Allele frequency attached by ClinVar (database versions not stated): gnomAD 0.00002 and 0.00003; TOPMed 0.00006; ExAC 0.00007; gnomAD exomes 0.00009 and 0.00011.
gnomAD v4.1: 160 of 1,609,528 alleles (0.0099%); highest among the groups gnomAD compares: Middle Eastern, 0.033%; 1 homozygote.

Submissions (5):

Labcorp Genetics (formerly Invitae), Labcorp
Classification: Likely benign for Alagille syndrome due to a JAG1 point mutation. Last evaluated: 2025-11-21. Review status: criteria provided, single submitter. Criteria: Invitae Variant Classification Sherloc (09022015). Collection method: clinical testing. Allele origin: germline.

PreventionGenetics, part of Exact Sciences
Classification: Likely benign for JAG1-related condition. Last evaluated: 2024-12-10. Review status: criteria provided, single submitter. Criteria: ACMG Guidelines, 2015. Collection method: clinical testing. Allele origin: germline.
Comment: This variant is classified as likely benign based on ACMG/AMP sequence variant interpretation guidelines (Richards et al. 2015 PMID: 25741868, with internal and published modifications).

Blueprint Genetics
Classification: Likely benign. Last evaluated: 2024-06-06. Review status: criteria provided, single submitter. Criteria: ACMG Guidelines, 2015. Collection method: clinical testing. Allele origin: germline.

GeneDx
Classification: Likely benign. Last evaluated: 2018-04-20. Review status: criteria provided, single submitter. Criteria: GeneDx Variant Classification (06012015). Collection method: clinical testing. Allele origin: germline. Affected: yes.
Comment: This variant is considered likely benign or benign based on one or more of the following criteria: it is a conservative change, it occurs at a poorly conserved position in the protein, it is predicted to be benign by multiple in silico algorithms, and/or has population frequency not consistent with disease.

Breakthrough Genomics
Classification: Likely benign. Review status: criteria provided, single submitter. Criteria: ACMG Guidelines, 2015. Collection method: not provided. Allele origin: germline. Inheritance: Autosomal dominant inheritance. Affected: yes.